The following is an entry in ClinVar:

ClinVar aggregate classification (germline): Uncertain significance. Review status: criteria provided, multiple submitters, no conflicts (2 of 4 stars). 2 submissions from 2 submitters: Uncertain significance (2). Last evaluated 2025-11-10.

Conditions:
Dyskeratosis congenita, autosomal dominant 6 (DKCA6). Identifiers: Orphanet 3322, MedGen C4225284, MONDO:0014690, OMIM 616553.
Inborn genetic diseases. Identifiers: MedGen C0950123, MeSH D030342.

Submissions (2):

Labcorp Genetics (formerly Invitae), Labcorp
Classification: Uncertain significance for Dyskeratosis congenita, autosomal dominant 6. Last evaluated: 2025-11-10. Review status: criteria provided, single submitter. Criteria: Invitae Variant Classification Sherloc (09022015). Collection method: clinical testing. Allele origin: germline.
Comment: This sequence change replaces cysteine, which is neutral and slightly polar, with phenylalanine, which is neutral and non-polar, at codon 237 of the ACD protein (p.Cys237Phe). This variant is not present in population databases (gnomAD no frequency). This variant has not been reported in the literature in individuals affected with ACD-related conditions. ClinVar contains an entry for this variant (Variation ID: 1757220). Invitae Evidence Modeling of protein sequence and biophysical properties (such as structural, functional, and spatial information, amino acid conservation, physicochemical variation, residue mobility, and thermodynamic stability) indicates that this missense variant is expected to disrupt ACD protein function with a positive predictive value of 80%. In summary, the available evidence is currently insufficient to determine the role of this variant in disease. Therefore, it has been classified as a Variant of Uncertain Significance.

Ambry Genetics
Classification: Uncertain significance for Inborn genetic diseases. Last evaluated: 2022-10-27. Review status: criteria provided, single submitter. Criteria: Ambry Variant Classification Scheme 2023. Collection method: clinical testing. Allele origin: germline.
Comment: The p.C237F variant (also known as c.710G>T), located in coding exon 5 of the ACD gene, results from a G to T substitution at nucleotide position 710. The cysteine at codon 237 is replaced by phenylalanine, an amino acid with highly dissimilar properties. This amino acid position is conserved. In addition, this alteration is predicted to be tolerated by in silico analysis. Since supporting evidence is limited at this time, the clinical significance of this alteration remains unclear.

NM_001082486.2(ACD):c.452G>T (p.Cys151Phe)

Gene: ACD (ACD shelterin complex subunit and telomerase recruitment factor; minus strand). Cytogenetic location: 16q22.1.
Variant type: single nucleotide variant.
Coding change: c.452G>T on transcript NM_001082486.2 (MANE Select); coding-DNA position 452, G replaced by T.
Protein change: p.Cys151Phe; replaces cysteine 151 with phenylalanine.
Molecular consequence: missense variant.
Genome position (GRCh38, 1-based): chr16:67,659,381, C>A on the plus strand (G>T on the coding strand, the complement: ACD is on the minus strand). VCF-style: chr16-67659381-C-A. GRCh37 (hg19) VCF-style: chr16-67693284-C-A.
Other names: c.452G>T, p.Cys151Phe (NM_001410884.1); c.443G>T, p.Cys148Phe (NM_022914.3); short protein forms C151F, C148F.
Identifiers: ClinVar variation 1757220 (VCV001757220.5), dbSNP rs1310303692, ClinGen allele CA396354763.
Genomic context (GRCh38, chr16:67,659,381, plus strand): 5'-ACACCATCCCCTCACCAAACAACACGTGGCCCCCGAGCCCAACCCCAGACTCACTCAAGG[C>A]AGTCATAGAGCTTTTTCTGAACATCTAAGTCTTGGTTGCTAAGAAAAAGAGAAGGGTAGT-3'
Protein context (NP_001075955.2, residues 141-161): DLDVQKKLYD[Cys151Phe]LEEHLSESTS